The following is an entry in ClinVar:

ClinVar aggregate classification (germline): Likely benign (1 of 4 stars; one submission).

Conditions:
Donnai-Barrow syndrome. Also called: DBS/FOAR SYNDROME; FACIOOCULOACOUSTICORENAL SYNDROME. Identifiers: Orphanet 2143, MedGen C1857277, MONDO:0009104, OMIM 222448.

Allele frequency attached by ClinVar (database versions not stated): gnomAD exomes 0.00024; gnomAD 0.00317 and 0.00337; 1000 Genomes Project 0.00359; TOPMed 0.00371; 1000 Genomes Project 30x 0.00500.
gnomAD v4.1: 485 of 178,630 alleles (0.27%); highest among the groups gnomAD compares: African/African-American, 1.1%; 2 homozygotes.

Submission:

Illumina Laboratory Services, Illumina
Classification: Likely benign for Donnai-Barrow syndrome. Last evaluated: 2018-01-12. Review status: criteria provided, single submitter. Criteria: ICSL Variant Classification Criteria 13 December 2019. Collection method: clinical testing. Allele origin: germline.
Comment: This variant was observed in the ICSL laboratory as part of a predisposition screen in an ostensibly healthy population. It had not been previously curated by ICSL or reported in the Human Gene Mutation Database (HGMD: prior to June 1st, 2018), and was therefore a candidate for classification through an automated scoring system. Utilizing variant allele frequency, disease prevalence and penetrance estimates, and inheritance mode, an automated score was calculated to assess if this variant is too frequent to cause the disease. Based on the score and internal cut-off values, a variant classified as likely benign is not then subjected to further curation. The score for this variant resulted in a classification of likely benign for this disease.

NM_004525.3(LRP2):c.*444G>A

Gene: LRP2 (LDL receptor related protein 2; minus strand). Cytogenetic location: 2q31.1.
Variant type: single nucleotide variant.
Coding change: c.*444G>A on transcript NM_004525.3 (MANE Select); 444 bases downstream of the stop codon, G replaced by A.
Molecular consequence: 3 prime UTR variant.
Genome position (GRCh38, 1-based): chr2:169,128,219, C>T on the plus strand (G>A on the coding strand, the complement: LRP2 is on the minus strand). VCF-style: chr2-169128219-C-T. GRCh37 (hg19) VCF-style: chr2-169984729-C-T.
Identifiers: ClinVar variation 332060 (VCV000332060.5), dbSNP rs114836292, ClinGen allele CA10612851.